The following is an entry in ClinVar:

NM_006348.5(COG5):c.2038A>G (p.Ile680Val)

Gene: COG5 (component of oligomeric golgi complex 5; minus strand). Cytogenetic location: 7q22.3.
Variant type: single nucleotide variant.
Coding change: c.2038A>G on transcript NM_006348.5 (MANE Select); coding-DNA position 2038, A replaced by G.
Protein change: p.Ile680Val; replaces isoleucine 680 with valine.
Molecular consequence: missense variant. On other transcripts: intron variant (1).
Genome position (GRCh38, 1-based): chr7:107,236,503, T>C on the plus strand (A>G on the coding strand, the complement: COG5 is on the minus strand). VCF-style: chr7-107236503-T-C. GRCh37 (hg19) VCF-style: chr7-106876948-T-C.
Other names: c.2038A>G, p.Ile680Val (NM_001161520.2, NM_001379513.1); c.1876A>G, p.Ile626Val (NM_001379511.1); c.1864A>G, p.Ile622Val (NM_001379512.1); c.1468A>G, p.Ile490Val (NM_001379515.1); c.1324A>G, p.Ile442Val (NM_001379516.1); c.1975A>G, p.Ile659Val (NM_181733.4); c.1853+11893A>G (NM_001379514.1); short protein forms I622V, I490V, I626V, I659V, I442V, I680V.
Identifiers: ClinVar variation 1983031 (VCV001983031.3), dbSNP rs777624204, ClinGen allele CA368939426.
Genomic context (GRCh38, chr7:107,236,503, plus strand): 5'-AATGTACCTGTGCAAAATCAGCAGCAAGTCGCATTTTCCCACCTTCACCAAGAGGTCTTA[T>C]GAGACTGGCATGGCGGATAAAAAGTTCAACAGCTCTTTGGGCAATAGCCTCAGTGTTGTC-3'
Protein context (NP_006339.4, residues 670-690): VELFIRHASL[Ile680Val]RPLGEGGKMR

ClinVar aggregate classification (germline): Uncertain significance (1 of 4 stars; one submission).

Conditions:
COG5-congenital disorder of glycosylation. Also called: COG5-CDG; CDG IIi; CONGENITAL DISORDER OF GLYCOSYLATION, TYPE IIi. Identifiers: Orphanet 263487, MedGen C3150876, MONDO:0013325, OMIM 613612.

gnomAD v4.1: 5 of 1,613,530 alleles (0.00031%); highest among the groups gnomAD compares: Non-Finnish European, 0.00042%; no homozygotes.

Submission:

Labcorp Genetics (formerly Invitae), Labcorp
Classification: Uncertain significance for COG5-congenital disorder of glycosylation. Last evaluated: 2022-03-17. Review status: criteria provided, single submitter. Criteria: Invitae Variant Classification Sherloc (09022015). Collection method: clinical testing. Allele origin: germline.
Comment: This sequence change replaces isoleucine, which is neutral and non-polar, with valine, which is neutral and non-polar, at codon 711 of the COG5 protein (p.Ile711Val). This variant is present in population databases (no rsID available, gnomAD 0.002%). This variant has not been reported in the literature in individuals affected with COG5-related conditions. Algorithms developed to predict the effect of missense changes on protein structure and function output the following: SIFT: "Tolerated"; PolyPhen-2: "Benign"; Align-GVGD: "Class C0". The valine amino acid residue is found in multiple mammalian species, which suggests that this missense change does not adversely affect protein function. In summary, the available evidence is currently insufficient to determine the role of this variant in disease. Therefore, it has been classified as a Variant of Uncertain Significance.